The following is an entry in ClinVar:

ClinVar aggregate classification (germline): Pathogenic (1 of 4 stars; one submission).

Conditions:
Hereditary cancer-predisposing syndrome. Also called: Tumor predisposition; Hereditary Cancer Syndrome; Hereditary neoplastic syndrome; Neoplastic Syndromes, Hereditary. Identifiers: Orphanet 140162, MedGen C0027672, MeSH D009386, MONDO:0015356.

Submission:

Ambry Genetics
Classification: Pathogenic for Hereditary cancer-predisposing syndrome. Last evaluated: 2025-10-10. Review status: criteria provided, single submitter. Criteria: Ambry Variant Classification Scheme 2023. Collection method: clinical testing. Allele origin: germline.
Comment: The c.1301delT pathogenic mutation, located in coding exon 11 of the SUFU gene, results from a deletion of one nucleotide at nucleotide position 1301, causing a translational frameshift with a predicted alternate stop codon (p.L434Rfs*2). This variant is considered to be rare based on population cohorts in the Genome Aggregation Database (gnomAD). This alteration is expected to result in loss of function by premature protein truncation or nonsense-mediated mRNA decay. As such, this alteration is interpreted as a disease-causing mutation.

NM_016169.4(SUFU):c.1301del (p.Leu434fs)

Gene: SUFU (SUFU negative regulator of hedgehog signaling; plus strand). Cytogenetic location: 10q24.32.
Variant type: Deletion.
Coding change: c.1301del on transcript NM_016169.4 (MANE Select); coding-DNA position 1301, one base deleted (T; older notation c.1301delT).
Protein change: p.Leu434fs; shifts the reading frame from leucine 434.
Molecular consequence: frameshift variant.
Genome position (GRCh38, 1-based): chr10:102,627,179, T deleted. VCF-style (leftmost placement, unchanged base first): chr10-102627178-CT-C. GRCh37 (hg19) VCF-style: chr10-104386935-CT-C.
Other names: short protein forms L434fs.
Identifiers: ClinVar variation 4551661 (VCV004551661.1).